The following is an entry in ClinVar:

ClinVar aggregate classification (germline): Uncertain significance. Review status: criteria provided, multiple submitters, no conflicts (2 of 4 stars). 2 submissions from 2 submitters: Uncertain significance (2). Last evaluated 2024-11-11.

Conditions:
Congenital dyserythropoietic anemia, type II (CDAN2). Also called: DYSERYTHROPOIETIC ANEMIA, HEMPAS TYPE. Identifiers: Orphanet 98873, MedGen C1306589, MONDO:0009134, OMIM 224100.
Cowden syndrome 7 (CWS7). Identifiers: Orphanet 201, MedGen C4225179, MONDO:0014802, OMIM 616858.

Allele frequency attached by ClinVar (database versions not stated): ExAC 0.00005; gnomAD 0.00007 and 0.00009; gnomAD exomes 0.00007 and 0.00010; ESP Exome Variant Server 0.00008; TOPMed 0.00015.
gnomAD v4.1: 163 of 1,614,014 alleles (0.01%); highest among the groups gnomAD compares: Admixed American, 0.015%; no homozygotes.

Submissions (2):

Labcorp Genetics (formerly Invitae), Labcorp
Classification: Uncertain significance for Congenital dyserythropoietic anemia, type II; Cowden syndrome 7. Last evaluated: 2024-11-11. Review status: criteria provided, single submitter. Criteria: Invitae Variant Classification Sherloc (09022015). Collection method: clinical testing. Allele origin: germline.
Comment: This sequence change replaces arginine, which is basic and polar, with tryptophan, which is neutral and slightly polar, at codon 546 of the SEC23B protein (p.Arg546Trp). This variant is present in population databases (rs147135162, gnomAD 0.01%). This missense change has been observed in individual(s) with clinical features of congenital dyserythropoietic anemia (PMID: 29901818). ClinVar contains an entry for this variant (Variation ID: 1479014). Invitae Evidence Modeling of protein sequence and biophysical properties (such as structural, functional, and spatial information, amino acid conservation, physicochemical variation, residue mobility, and thermodynamic stability) indicates that this missense variant is expected to disrupt SEC23B protein function with a positive predictive value of 95%. In summary, the available evidence is currently insufficient to determine the role of this variant in disease. Therefore, it has been classified as a Variant of Uncertain Significance.

Revvity Omics, Revvity
Classification: Uncertain significance. Last evaluated: 2022-04-14. Review status: criteria provided, single submitter. Criteria: ACMG Guidelines, 2015. Collection method: clinical testing. Allele origin: germline.

Literature cited by the submitters: PubMed 29901818 (cited by Labcorp Genetics (formerly Invitae), Labcorp).

NM_006363.6(SEC23B):c.1636C>T (p.Arg546Trp)

Gene: SEC23B (SEC23 homolog B, COPII component; plus strand). Cytogenetic location: 20p11.23.
Variant type: single nucleotide variant.
Coding change: c.1636C>T on transcript NM_006363.6 (MANE Select); coding-DNA position 1636, C replaced by T.
Protein change: p.Arg546Trp; replaces arginine 546 with tryptophan.
Molecular consequence: missense variant.
Genome position (GRCh38, 1-based): chr20:18,543,143, C>T. VCF-style: chr20-18543143-C-T. GRCh37 (hg19) VCF-style: chr20-18523787-C-T.
Other names: c.1636C>T, p.Arg546Trp (NM_001172745.3, NM_032985.6, NM_032986.5); c.1582C>T, p.Arg528Trp (NM_001172746.3); short protein forms R546W, R528W.
Identifiers: ClinVar variation 1479014 (VCV001479014.9), dbSNP rs147135162, ClinGen allele CA9778429.
Genomic context (GRCh38, chr20:18,543,143, plus strand): 5'-GTGTTGATGGCACGGCTTGGGGTGTTCCGAGCGGAGTCAGAGGAGGGGCCCGATGTGCTC[C>T]GGTGGCTGGACCGACAACTCATCCGACTGGTAAATTGGGGACAGTGGCATTAGGTTCAGT-3'
Protein context (NP_006354.2, residues 536-556): AESEEGPDVL[Arg546Trp]WLDRQLIRLC